The following is an entry in ClinVar:

ClinVar aggregate classification (germline): Uncertain significance (1 of 4 stars; one submission).

Submission:

Labcorp Genetics (formerly Invitae), Labcorp
Classification: Uncertain significance. Last evaluated: 2022-03-11. Review status: criteria provided, single submitter. Criteria: Invitae Variant Classification Sherloc (09022015). Collection method: clinical testing. Allele origin: germline.
Comment: This sequence change replaces arginine, which is basic and polar, with asparagine, which is neutral and polar, at codon 3263 of the FAT2 protein (p.Arg3263Asn). Information on the frequency of this variant in the gnomAD database is not available, as this variant may be reported differently in the database. This variant has not been reported in the literature in individuals affected with FAT2-related conditions. Algorithms developed to predict the effect of missense changes on protein structure and function are either unavailable or do not agree on the potential impact of this missense change (SIFT: "Not Available"; PolyPhen-2: "Benign"; Align-GVGD: "Not Available"). In summary, the available evidence is currently insufficient to determine the role of this variant in disease. Therefore, it has been classified as a Variant of Uncertain Significance.

NM_001447.3(FAT2):c.9788_9789delinsAT (p.Arg3263Asn)

Genes: FAT2 (FAT atypical cadherin 2; minus strand), SLC36A1 (solute carrier family 36 member 1; plus strand). Cytogenetic location: 5q33.1.
Variant type: Indel.
Coding change: c.9788_9789delinsAT on transcript NM_001447.3 (MANE Select); coding-DNA positions 9788 to 9789, GG replaced by AT.
Protein change: p.Arg3263Asn; replaces arginine 3263 with asparagine.
Molecular consequence: missense variant.
Genome position (GRCh38, 1-based): chr5:151,531,609-151,531,610, CC replaced by AT on the plus strand (GG replaced by AT on the coding strand, the reverse complement: FAT2 is on the minus strand). VCF-style: chr5-151531609-CC-AT. GRCh37 (hg19) VCF-style: chr5-150911170-CC-AT.
Other names: short protein forms R3263N.
Identifiers: ClinVar variation 2089616 (VCV002089616.4), dbSNP rs2481022636, ClinGen allele CA2580073905.